The following is an entry in ClinVar:

NM_001127222.2(CACNA1A):c.2999A>G (p.Glu1000Gly)

Gene: CACNA1A (calcium voltage-gated channel subunit alpha1 A; minus strand). Cytogenetic location: 19p13.13.
Variant type: single nucleotide variant.
Coding change: c.2999A>G on transcript NM_001127222.2 (MANE Select); coding-DNA position 2999, A replaced by G.
Protein change: p.Glu1000Gly; replaces glutamic acid 1000 with glycine.
Molecular consequence: missense variant.
Genome position (GRCh38, 1-based): chr19:13,298,634, T>C on the plus strand (A>G on the coding strand, the complement: CACNA1A is on the minus strand). VCF-style: chr19-13298634-T-C. GRCh37 (hg19) VCF-style: chr19-13409448-T-C.
Other names: c.3011A>G, p.Glu1004Gly (NM_000068.4, NM_023035.3); c.3002A>G, p.Glu1001Gly (NM_001127221.2, NM_001174080.2); short protein forms E1000G, E1001G, E1004G.
Identifiers: ClinVar variation 5017220 (VCV005017220.1).

ClinVar aggregate classification (germline): Uncertain significance (1 of 4 stars; one submission).

gnomAD v4.1: 1 of 1,525,216 alleles (0.000066%); highest among the groups gnomAD compares: Non-Finnish European, 0.000088%; no homozygotes.

Submission:

GeneDx
Classification: Uncertain significance. Last evaluated: 2026-04-02. Review status: criteria provided, single submitter. Criteria: GeneDx Variant Classification Process June 2021. Collection method: clinical testing. Allele origin: germline.
Comment: Not observed at significant frequency in large population cohorts (gnomAD); In silico analysis suggests that this missense variant does not alter protein structure/function; Has not been previously published as pathogenic or benign to our knowledge